The following is an entry in ClinVar:

NM_003873.7(NRP1):c.1843G>T (p.Gly615Cys)

Gene: NRP1 (neuropilin 1; minus strand). Cytogenetic location: 10p11.22.
Variant type: single nucleotide variant.
Coding change: c.1843G>T on transcript NM_003873.7 (MANE Select); coding-DNA position 1843, G replaced by T.
Protein change: p.Gly615Cys; replaces glycine 615 with cysteine.
Molecular consequence: missense variant. On other transcripts: non-coding transcript variant (1), intron variant (1).
Genome position (GRCh38, 1-based): chr10:33,202,912, C>A on the plus strand (G>T on the coding strand, the complement: NRP1 is on the minus strand). VCF-style: chr10-33202912-C-A. GRCh37 (hg19) VCF-style: chr10-33491840-C-A.
Other names: c.1843G>T, p.Gly615Cys (NM_001024628.3, NM_001244972.2, NM_001244973.2 and 1 more transcripts); c.1759+4660G>T (NM_001024629.3); short protein forms G615C.
Identifiers: ClinVar variation 4992373 (VCV004992373.1).

ClinVar aggregate classification (germline): Uncertain significance (1 of 4 stars; one submission).

Conditions:
NRP1-related disorder. Also called: NRP1-related condition.

Submission:

PreventionGenetics, part of Exact Sciences
Classification: Uncertain significance for NRP1-related condition. Last evaluated: 2025-12-15. Review status: criteria provided, single submitter. Criteria: ACMG Guidelines, 2015. Collection method: clinical testing. Allele origin: germline.
Comment: The NRP1 c.1843G>T variant is predicted to result in the amino acid substitution p.Gly615Cys. To our knowledge, this variant has not been reported in the literature or in a large population database (gnomAD), indicating this variant is rare. At this time, the clinical significance of this variant is uncertain due to the absence of conclusive functional and genetic evidence.